The following is an entry in ClinVar:

ClinVar aggregate classification (germline): Benign/Likely benign. Review status: criteria provided, multiple submitters, no conflicts (2 of 4 stars). 3 submissions from 3 submitters: Benign (1); Likely benign (1). 1 of the submissions does not count toward it. Last evaluated 2025-09-29.

Conditions:
Acroosteolysis-keloid-like lesions-premature aging syndrome. Also called: Premature aging syndrome, Penttinen type; Prematurely aged appearance, delayed bone maturation, acro-osteolysis, and brachydactyly; Progeroid syndrome, Penttinen type. Identifiers: Orphanet 363665, MedGen C1866182, MONDO:0011150, OMIM 601812.
Skeletal overgrowth-craniofacial dysmorphism-hyperelastic skin-white matter lesions syndrome. Also called: SKELETAL OVERGROWTH WITH FACIAL DYSMORPHISM, HYPERELASTIC SKIN, WHITE MATTER LESIONS, AND NEUROLOGIC DETERIORATION; Kosaki overgrowth syndrome. Identifiers: Orphanet 477831, MedGen C4225270, MONDO:0014704, OMIM 616592.
Basal ganglia calcification, idiopathic, 4 (PFBC4). Also called: Familial Idiopathic Basal Ganglia Calcification 4; PRIMARY FAMILIAL BRAIN CALCIFICATION 4, AUTOSOMAL DOMINANT. Identifiers: Orphanet 1980, MedGen C3554321, MONDO:0014004, OMIM 615007.
Infantile myofibromatosis (IMF). Also called: Congenital generalized fibromatosis. Identifiers: Orphanet 2591, MedGen C0432284, MONDO:0016824.
PDGFRB-related disorder. Also called: PDGFRB-related condition.

Allele frequency attached by ClinVar (database versions not stated): ESP Exome Variant Server 0.00015; 1000 Genomes Project 0.00040; gnomAD exomes 0.00018 and 0.00011; ExAC 0.00019; 1000 Genomes Project 30x 0.00031; gnomAD 0.00054; TOPMed 0.00063.
gnomAD v4.1: 233 of 1,598,872 alleles (0.015%); highest among the groups gnomAD compares: African/African-American, 0.21%; 2 homozygotes.

Submissions (3):

Labcorp Genetics (formerly Invitae), Labcorp
Classification: Benign for Basal ganglia calcification, idiopathic, 4; Skeletal overgrowth-craniofacial dysmorphism-hyperelastic skin-white matter lesions syndrome; Infantile myofibromatosis; Acroosteolysis-keloid-like lesions-premature aging syndrome. Last evaluated: 2025-09-29. Review status: criteria provided, single submitter. Criteria: Invitae Variant Classification Sherloc (09022015). Collection method: clinical testing. Allele origin: germline.

Blueprint Genetics
Classification: Likely benign. Last evaluated: 2024-02-12. Review status: criteria provided, single submitter. Criteria: ACMG Guidelines, 2015. Collection method: clinical testing. Allele origin: germline.

PreventionGenetics, part of Exact Sciences
Classification: Likely benign for PDGFRB-related condition. Last evaluated: 2024-05-21. Review status: no assertion criteria provided. Collection method: clinical testing. Allele origin: germline. Not counted in ClinVar's aggregate classification.
Comment: This variant is classified as likely benign based on ACMG/AMP sequence variant interpretation guidelines (Richards et al. 2015 PMID: 25741868, with internal and published modifications).

NM_002609.4(PDGFRB):c.2616G>A (p.Pro872=)

Gene: PDGFRB (platelet derived growth factor receptor beta; minus strand). Cytogenetic location: 5q32.
Variant type: single nucleotide variant.
Coding change: c.2616G>A on transcript NM_002609.4 (MANE Select); coding-DNA position 2616, G replaced by A.
Protein change: p.Pro872=; no amino-acid change (proline 872 retained).
Molecular consequence: synonymous variant.
Genome position (GRCh38, 1-based): chr5:150,120,094, C>T on the plus strand (G>A on the coding strand, the complement: PDGFRB is on the minus strand). VCF-style: chr5-150120094-C-T. GRCh37 (hg19) VCF-style: chr5-149499657-C-T.
Other names: c.2424G>A, p.Pro808= (NM_001355016.2); c.2133G>A, p.Pro711= (NM_001355017.2).
Identifiers: ClinVar variation 473405 (VCV000473405.15), dbSNP rs148709288, ClinGen allele CA3507571.